The following is an entry in ClinVar:

ClinVar aggregate classification (germline): Likely pathogenic (1 of 4 stars; one submission).

Conditions:
Rare genetic deafness. Identifiers: Orphanet 96210, MedGen C5680250.

Submission:

Laboratory for Molecular Medicine, Mass General Brigham Personalized Medicine
Classification: Likely pathogenic for Rare genetic deafness. Last evaluated: 2022-06-30. Review status: criteria provided, single submitter. Criteria: ACMG Guidelines, 2015. Collection method: clinical testing. Allele origin: germline.
Comment: The p.Gln354X variant in TECTA has not been previously reported in individuals with nonsyndromic hearing loss and was absent from large population studies. This nonsense variant leads to a premature termination codon at position 354, which is predicted to lead to a truncated or absent protein. Loss of function of the TECTA gene is an established disease mechanism in autosomal recessive nonsyndromic hearing loss. In summary, although additional studies are required to fully establish its clinical significance, this variant meets criteria to be classified as likely pathogenic for autosomal recessive nonsyndromic hearing loss. ACMG/AMP Criteria applied: PVS1, PM2_Supporting.

NM_005422.4(TECTA):c.1060C>T (p.Gln354Ter)

Genes: TBCEL-TECTA (TBCEL-TECTA readthrough; plus strand), TECTA (tectorin alpha; plus strand). Cytogenetic location: 11q23.3.
Variant type: single nucleotide variant.
Coding change: c.1060C>T on transcript NM_005422.4 (MANE Select); coding-DNA position 1060, C replaced by T.
Protein change: p.Gln354Ter; replaces glutamine 354 with a stop codon.
Molecular consequence: nonsense.
Genome position (GRCh38, 1-based): chr11:121,118,575, C>T. VCF-style: chr11-121118575-C-T. GRCh37 (hg19) VCF-style: chr11-120989284-C-T.
Other names: c.2017C>T, p.Gln673Ter (NM_001378761.1); short protein forms Q354*, Q673*.
Identifiers: ClinVar variation 3075869 (VCV003075869.1), dbSNP rs2496906689, ClinGen allele CA383008393.